The following is an entry in ClinVar:

NM_024598.4(USB1):c.614C>T (p.Pro205Leu)

Gene: USB1 (U6 snRNA biogenesis phosphodiesterase 1; plus strand). Cytogenetic location: 16q21.
Variant type: single nucleotide variant.
Coding change: c.614C>T on transcript NM_024598.4 (MANE Select); coding-DNA position 614, C replaced by T.
Protein change: p.Pro205Leu; replaces proline 205 with leucine.
Molecular consequence: missense variant.
Genome position (GRCh38, 1-based): chr16:58,018,976, C>T. VCF-style: chr16-58018976-C-T. GRCh37 (hg19) VCF-style: chr16-58052880-C-T.
Other names: c.560C>T, p.Pro187Leu (NM_001195302.2); c.461C>T, p.Pro154Leu (NM_001330568.2); short protein forms P154L, P187L, P205L.
Identifiers: ClinVar variation 4866341 (VCV004866341.1).

ClinVar aggregate classification (germline): Uncertain significance (1 of 4 stars; one submission).

Conditions:
Inborn genetic diseases. Identifiers: MedGen C0950123, MeSH D030342.

gnomAD v4.1: 1 of 1,614,190 alleles (0.000062%); no homozygotes.

Submission:

Ambry Genetics
Classification: Uncertain significance for Inborn genetic diseases. Last evaluated: 2026-03-15. Review status: criteria provided, single submitter. Criteria: Ambry Variant Classification Scheme 2023. Collection method: clinical testing. Allele origin: germline.
Comment: The p.P205L variant (also known as c.614C>T), located in coding exon 6 of the USB1 gene, results from a C to T substitution at nucleotide position 614. The proline at codon 205 is replaced by leucine, an amino acid with similar properties. This amino acid position is conserved. In addition, the in silico prediction for this alteration is inconclusive. Based on the available evidence, the clinical significance of this variant remains unclear.